The following is an entry in ClinVar:

NM_020207.7(ERCC6L2):c.4174C>T (p.Arg1392Cys)

Gene: ERCC6L2 (ERCC excision repair 6 like 2; plus strand). Cytogenetic location: 9q22.32.
Variant type: single nucleotide variant.
Coding change: c.4174C>T on transcript NM_020207.7 (MANE Select); coding-DNA position 4174, C replaced by T.
Protein change: p.Arg1392Cys; replaces arginine 1392 with cysteine.
Molecular consequence: missense variant. On other transcripts: non-coding transcript variant (1), intron variant (2).
Genome position (GRCh38, 1-based): chr9:96,012,724, C>T. VCF-style: chr9-96012724-C-T. GRCh37 (hg19) VCF-style: chr9-98775006-C-T.
Other names: c.3674+8023C>T (NM_001375291.1, NM_001375292.1); short protein forms R1392C.
Identifiers: ClinVar variation 1372441 (VCV001372441.7), dbSNP rs775611336, ClinGen allele CA5140071.
Genomic context (GRCh38, chr9:96,012,724, plus strand): 5'-AACAGCCAGGCATCCGAAGATACTGTGACATCCCGTTCTCTGAACAGTGAGTCTGAAACA[C>T]GTGAGAGAAGGTTAGAAAATACCATGAAAGACCAACAGGACCTCACAAGAACGGGCATTT-3'
Protein context (NP_064592.3, residues 1382-1402): SRSLNSESET[Arg1392Cys]ERRLENTMKD

ClinVar aggregate classification (germline): Uncertain significance (1 of 4 stars; one submission).

Allele frequency attached by ClinVar (database versions not stated): TOPMed 0.00001; ExAC 0.00005.
gnomAD v4.1: 73 of 1,367,324 alleles (0.0053%); highest among the groups gnomAD compares: South Asian, 0.0091%; no homozygotes.

Submission:

Labcorp Genetics (formerly Invitae), Labcorp
Classification: Uncertain significance. Last evaluated: 2024-10-26. Review status: criteria provided, single submitter. Criteria: Invitae Variant Classification Sherloc (09022015). Collection method: clinical testing. Allele origin: germline.
Comment: This sequence change replaces arginine, which is basic and polar, with cysteine, which is neutral and slightly polar, at codon 1403 of the ERCC6L2 protein (p.Arg1403Cys). This variant is present in population databases (rs775611336, gnomAD 0.007%). This variant has not been reported in the literature in individuals affected with ERCC6L2-related conditions. ClinVar contains an entry for this variant (Variation ID: 1372441). Experimental studies and prediction algorithms are not available or were not evaluated, and the functional significance of this variant is currently unknown. In summary, the available evidence is currently insufficient to determine the role of this variant in disease. Therefore, it has been classified as a Variant of Uncertain Significance.